The following is an entry in ClinVar:

ClinVar aggregate classification (germline): Uncertain significance (1 of 4 stars; one submission).

Submission:

Labcorp Genetics (formerly Invitae), Labcorp
Classification: Uncertain significance. Last evaluated: 2025-04-03. Review status: criteria provided, single submitter. Criteria: Invitae Variant Classification Sherloc (09022015). Collection method: clinical testing. Allele origin: germline.
Comment: This sequence change replaces leucine, which is neutral and non-polar, with valine, which is neutral and non-polar, at codon 492 of the PROM1 protein (p.Leu492Val). This variant is not present in population databases (gnomAD no frequency). This variant has not been reported in the literature in individuals affected with PROM1-related conditions. ClinVar contains an entry for this variant (Variation ID: 1995201). Invitae Evidence Modeling of protein sequence and biophysical properties (such as structural, functional, and spatial information, amino acid conservation, physicochemical variation, residue mobility, and thermodynamic stability) has been performed for this missense variant. However, the output from this modeling did not meet the statistical confidence thresholds required to predict the impact of this variant on PROM1 protein function. In summary, the available evidence is currently insufficient to determine the role of this variant in disease. Therefore, it has been classified as a Variant of Uncertain Significance.

NM_006017.3(PROM1):c.1474C>G (p.Leu492Val)

Gene: PROM1 (prominin 1; minus strand). Cytogenetic location: 4p15.32.
Variant type: single nucleotide variant.
Coding change: c.1474C>G on transcript NM_006017.3 (MANE Select); coding-DNA position 1474, C replaced by G.
Protein change: p.Leu492Val; replaces leucine 492 with valine.
Molecular consequence: missense variant.
Genome position (GRCh38, 1-based): chr4:16,000,600, G>C on the plus strand (C>G on the coding strand, the complement: PROM1 is on the minus strand). VCF-style: chr4-16000600-G-C. GRCh37 (hg19) VCF-style: chr4-16002223-G-C.
Other names: c.1447C>G, p.Leu483Val (NM_001145847.2, NM_001145848.2, NM_001145851.2 and 4 more transcripts); c.1474C>G, p.Leu492Val (NM_001145849.2, NM_001145850.2); short protein forms L483V, L492V.
Identifiers: ClinVar variation 1995201 (VCV001995201.4), dbSNP rs2529948958, ClinGen allele CA356433420.
Genomic context (GRCh38, chr4:16,000,600, plus strand): 5'-CCACATTTGCACCAAAGACAAAGGTAAGAACCACAATGATCATCAATATCCAGCAAAAGA[G>C]GAAACTTAATCCAACTCCACTGGAAAAAAATATAAAGTTAGTAATTCAACAAAGAATGAT-3'
Protein context (NP_006008.1, residues 482-502): FLMVGVGLSF[Leu492Val]FCWILMIIVV